The following is an entry in ClinVar:

NM_000222.3(KIT):c.25G>A (p.Asp9Asn)

Gene: KIT (KIT proto-oncogene, receptor tyrosine kinase; plus strand). Cytogenetic location: 4q12.
Variant type: single nucleotide variant.
Coding change: c.25G>A on transcript NM_000222.3 (MANE Select); coding-DNA position 25, G replaced by A.
Protein change: p.Asp9Asn; replaces aspartic acid 9 with asparagine.
Molecular consequence: missense variant.
Genome position (GRCh38, 1-based): chr4:54,658,039, G>A. VCF-style: chr4-54658039-G-A. GRCh37 (hg19) VCF-style: chr4-55524206-G-A.
Other names: c.25G>A, p.Asp9Asn (NM_001093772.2, NM_001385284.1, NM_001385285.1 and 4 more transcripts); short protein forms D9N.
Identifiers: ClinVar variation 528522 (VCV000528522.10), dbSNP rs1476871700, ClinGen allele CA356897904.
Genomic context (GRCh38, chr4:54,658,039, plus strand): 5'-GTGGACCAGAGCTCGGATCCCATCGCAGCTACCGCGATGAGAGGCGCTCGCGGCGCCTGG[G>A]ATTTTCTCTGCGTTCTGCTCCTACTGCTTCGCGTCCAGACAGGTGGGACACCGCGGCTGG-3'
Protein context (NP_000213.1, residues 1-19): MRGARGAW[Asp9Asn]FLCVLLLLLR

ClinVar aggregate classification (germline): Conflicting classifications of pathogenicity. Review status: criteria provided, conflicting classifications (1 of 4 stars). 2 submissions from 2 submitters: Uncertain significance (1); Likely benign (1). Last evaluated 2025-05-17.

Conditions:
Hereditary cancer-predisposing syndrome. Also called: Tumor predisposition; Hereditary neoplastic syndrome; Hereditary Cancer Syndrome; Neoplastic Syndromes, Hereditary. Identifiers: Orphanet 140162, MedGen C0027672, MeSH D009386, MONDO:0015356.
Gastrointestinal stromal tumor. Also called: Gastrointestinal stroma tumor; Gastrointestinal stromal tumor, somatic. Identifiers: Orphanet 44890, MedGen C0238198, MeSH D046152, MONDO:0011719, OMIM 606764, HP:0100723.

Allele frequency attached by ClinVar (database versions not stated): gnomAD exomes below 0.00001; gnomAD 0.00001.
gnomAD v4.1: 2 of 1,613,624 alleles (0.00012%); highest among the groups gnomAD compares: Non-Finnish European, 0.00017%; no homozygotes.

Submissions (2):

Ambry Genetics
Classification: Likely benign for Hereditary cancer-predisposing syndrome. Last evaluated: 2025-05-17. Review status: criteria provided, single submitter. Criteria: Ambry Variant Classification Scheme 2023. Collection method: clinical testing. Allele origin: germline.

Labcorp Genetics (formerly Invitae), Labcorp
Classification: Uncertain significance for Gastrointestinal stromal tumor. Last evaluated: 2023-04-17. Review status: criteria provided, single submitter. Criteria: Invitae Variant Classification Sherloc (09022015). Collection method: clinical testing. Allele origin: germline.
Comment: This variant is present in population databases (no rsID available, gnomAD 0.01%). In summary, the available evidence is currently insufficient to determine the role of this variant in disease. Therefore, it has been classified as a Variant of Uncertain Significance. An algorithm developed to predict the effect of missense changes on protein structure and function (PolyPhen-2) suggests that this variant is likely to be tolerated. ClinVar contains an entry for this variant (Variation ID: 528522). This variant has not been reported in the literature in individuals affected with KIT-related conditions. This sequence change replaces aspartic acid, which is acidic and polar, with asparagine, which is neutral and polar, at codon 9 of the KIT protein (p.Asp9Asn).